The following is an entry in ClinVar:

NM_001267550.2(TTN):c.42386A>C (p.Lys14129Thr)

Gene: TTN (titin; minus strand). Cytogenetic location: 2q31.2.
Variant type: single nucleotide variant.
Coding change: c.42386A>C on transcript NM_001267550.2 (MANE Select); coding-DNA position 42386, A replaced by C.
Protein change: p.Lys14129Thr; replaces lysine 14129 with threonine.
Molecular consequence: missense variant.
Genome position (GRCh38, 1-based): chr2:178,634,395, T>G on the plus strand (A>C on the coding strand, the complement: TTN is on the minus strand). VCF-style: chr2-178634395-T-G. GRCh37 (hg19) VCF-style: chr2-179499122-T-G.
Other names: c.37463A>C, p.Lys12488Thr (NM_001256850.1); c.15191A>C, p.Lys5064Thr (NM_003319.4); c.34682A>C, p.Lys11561Thr (NM_133378.4); c.15566A>C, p.Lys5189Thr (NM_133432.3); c.15767A>C, p.Lys5256Thr (NM_133437.4); short protein forms K11561T, K12488T, K5189T, K5064T, K14129T, K5256T.
Identifiers: ClinVar variation 1774368 (VCV001774368.2), dbSNP rs1050750556, ClinGen allele CA61005096.

ClinVar aggregate classification (germline): Uncertain significance (1 of 4 stars; one submission).

Conditions:
Cardiovascular phenotype. Identifiers: MedGen CN230736.

Submission:

Ambry Genetics
Classification: Uncertain significance for Cardiovascular phenotype. Last evaluated: 2019-04-15. Review status: criteria provided, single submitter. Criteria: Ambry Variant Classification Scheme 2023. Collection method: clinical testing. Allele origin: germline.
Comment: The p.K5064T variant (also known as c.15191A>C), located in coding exon 57 of the TTN gene, results from an A to C substitution at nucleotide position 15191. The lysine at codon 5064 is replaced by threonine, an amino acid with similar properties. This amino acid position is well conserved in available vertebrate species. In addition, this alteration is predicted to be tolerated by in silico analysis. Since supporting evidence is limited at this time, the clinical significance of this alteration remains unclear.